The following is an entry in ClinVar:

NM_000051.4(ATM):c.7525A>T (p.Met2509Leu)

Genes: ATM (ATM serine/threonine kinase; plus strand), C11orf65 (chromosome 11 open reading frame 65; minus strand). Cytogenetic location: 11q22.3.
Variant type: single nucleotide variant.
Coding change: c.7525A>T on transcript NM_000051.4 (MANE Select); coding-DNA position 7525, A replaced by T.
Protein change: p.Met2509Leu; replaces methionine 2509 with leucine.
Molecular consequence: missense variant. On other transcripts: non-coding transcript variant (1), intron variant (2).
Genome position (GRCh38, 1-based): chr11:108,331,453, A>T. VCF-style: chr11-108331453-A-T. GRCh37 (hg19) VCF-style: chr11-108202180-A-T.
Other names: c.7525A>T, p.Met2509Leu (NM_001351834.2); c.641-22382T>A (NM_001330368.2); c.*38+3767T>A (NM_001351110.2); short protein forms M2509L.
Identifiers: ClinVar variation 1346568 (VCV001346568.9), dbSNP rs979101125, ClinGen allele CA382560650.

ClinVar aggregate classification (germline): Conflicting classifications of pathogenicity. Review status: criteria provided, conflicting classifications (1 of 4 stars). 2 submissions from 2 submitters: Uncertain significance (1); Likely benign (1). Last evaluated 2026-09-09.

Conditions:
Hereditary cancer-predisposing syndrome. Also called: Tumor predisposition; Neoplastic Syndromes, Hereditary; Hereditary Cancer Syndrome; Hereditary neoplastic syndrome. Identifiers: Orphanet 140162, MedGen C0027672, MeSH D009386, MONDO:0015356.
Ataxia-telangiectasia syndrome (AT). Also called: Ataxia-telangiectasia; LOUIS-BAR SYNDROME; Ataxia-telangiectasia, complementation group D; AT, COMPLEMENTATION GROUP C; ATAXIA-TELANGIECTASIA, COMPLEMENTATION GROUP A; ATAXIA-TELANGIECTASIA, FRESNO VARIANT. Identifiers: Orphanet 100, MedGen C0004135, MONDO:0008840, OMIM 208900.

Submissions (2):

Ambry Genetics
Classification: Likely benign for Hereditary cancer-predisposing syndrome. Last evaluated: 2026-09-09. Review status: criteria provided, single submitter. Criteria: Ambry Variant Classification Scheme 2023. Collection method: clinical testing. Allele origin: germline.

Labcorp Genetics (formerly Invitae), Labcorp
Classification: Uncertain significance for Ataxia-telangiectasia syndrome. Last evaluated: 2021-04-18. Review status: criteria provided, single submitter. Criteria: Invitae Variant Classification Sherloc (09022015). Collection method: clinical testing. Allele origin: germline.
Comment: In summary, the available evidence is currently insufficient to determine the role of this variant in disease. Therefore, it has been classified as a Variant of Uncertain Significance. Advanced modeling of protein sequence and biophysical properties (such as structural, functional, and spatial information, amino acid conservation, physicochemical variation, residue mobility, and thermodynamic stability) performed at Invitae indicates that this missense variant is not expected to disrupt ATM protein function. This variant has not been reported in the literature in individuals with ATM-related conditions. This variant is not present in population databases (ExAC no frequency). This sequence change replaces methionine with leucine at codon 2509 of the ATM protein (p.Met2509Leu). The methionine residue is weakly conserved and there is a small physicochemical difference between methionine and leucine.

Literature cited by the submitters: PubMed 40580951 (cited by Ambry Genetics).